The following is an entry in ClinVar:

NM_003331.5(TYK2):c.1200C>G (p.Asn400Lys)

Gene: TYK2 (tyrosine kinase 2; minus strand). Cytogenetic location: 19p13.2.
Variant type: single nucleotide variant.
Coding change: c.1200C>G on transcript NM_003331.5 (MANE Select); coding-DNA position 1200, C replaced by G.
Protein change: p.Asn400Lys; replaces asparagine 400 with lysine.
Molecular consequence: missense variant.
Genome position (GRCh38, 1-based): chr19:10,364,860, G>C on the plus strand (C>G on the coding strand, the complement: TYK2 is on the minus strand). VCF-style: chr19-10364860-G-C. GRCh37 (hg19) VCF-style: chr19-10475536-G-C.
Other names: short protein forms N400K.
Identifiers: ClinVar variation 846761 (VCV000846761.8), dbSNP rs2041581409, ClinGen allele CA404013631.
Genomic context (GRCh38, chr19:10,364,860, plus strand): 5'-GTCCTCCCAGGCCATGATGGGCCCTAGCCCAGCCCCTACCCTGGGCCTCACCAGGCACTT[G>C]TTGTCCTGCCGGTGGATGCTGACACAGTGCTCTTTCAGCACCACGTGGGTGATGTCCCGG-3'
Protein context (NP_003322.3, residues 390-410): EHCVSIHRQD[Asn400Lys]KCLELSLPSR

ClinVar aggregate classification (germline): Uncertain significance (1 of 4 stars; one submission).

Conditions:
Immunodeficiency 35 (IMD35). Also called: TYK2 DEFICIENCY; Susceptibility to infection due to TYK2 deficiency; HIES WITH ATYPICAL MYCOBACTERIOSIS, AUTOSOMAL RECESSIVE; HYPER-IgE SYNDROME WITH ATYPICAL MYCOBACTERIOSIS, AUTOSOMAL RECESSIVE. Identifiers: Orphanet 331226, MedGen C1969086, MONDO:0012682, OMIM 611521.

gnomAD v4.1: 1 of 1,614,112 alleles (0.000062%); no homozygotes.

Submission:

Labcorp Genetics (formerly Invitae), Labcorp
Classification: Uncertain significance for Immunodeficiency 35. Last evaluated: 2019-02-20. Review status: criteria provided, single submitter. Criteria: Invitae Variant Classification Sherloc (09022015). Collection method: clinical testing. Allele origin: germline.
Comment: In summary, the available evidence is currently insufficient to determine the role of this variant in disease. Therefore, it has been classified as a Variant of Uncertain Significance. Algorithms developed to predict the effect of missense changes on protein structure and function are either unavailable or do not agree on the potential impact of this missense change (SIFT: "Deleterious"; PolyPhen-2: "Benign"; Align-GVGD: "Class C0"). This variant has not been reported in the literature in individuals with TYK2-related conditions. This variant is not present in population databases (ExAC no frequency). This sequence change replaces asparagine with lysine at codon 400 of the TYK2 protein (p.Asn400Lys). The asparagine residue is highly conserved and there is a moderate physicochemical difference between asparagine and lysine.